The following is an entry in ClinVar:

ClinVar aggregate classification (germline): Pathogenic (1 of 4 stars; one submission).

Submission:

GeneDx
Classification: Pathogenic. Last evaluated: 2023-11-22. Review status: criteria provided, single submitter. Criteria: GeneDx Variant Classification Process June 2021. Collection method: clinical testing. Allele origin: germline. Affected: yes.
Comment: Nonsense variant predicted to result in protein truncation or nonsense mediated decay in a gene for which loss of function is a known mechanism of disease; Not observed at significant frequency in large population cohorts (gnomAD); This variant is associated with the following publications: (PMID: 27623003, 21472892, 20704476)

NM_203475.3(PORCN):c.1077C>G (p.Tyr359Ter)

Gene: PORCN (porcupine O-acyltransferase; plus strand). Cytogenetic location: Xp11.23.
Variant type: single nucleotide variant.
Coding change: c.1077C>G on transcript NM_203475.3 (MANE Select); coding-DNA position 1077, C replaced by G.
Protein change: p.Tyr359Ter; replaces tyrosine 359 with a stop codon.
Molecular consequence: nonsense.
Genome position (GRCh38, 1-based): chrX:48,515,943, C>G. VCF-style: chrX-48515943-C-G. GRCh37 (hg19) VCF-style: chrX-48374331-C-G.
Other names: c.831C>G, p.Tyr277Ter (NM_001282167.2); c.1044C>G, p.Tyr348Ter (NM_022825.4); c.1062C>G, p.Tyr354Ter (NM_203473.3); c.1059C>G, p.Tyr353Ter (NM_203474.1); short protein forms Y277*, Y348*, Y353*, Y354*, Y359*.
Identifiers: ClinVar variation 3338814 (VCV003338814.1).